The following is an entry in ClinVar:

ClinVar aggregate classification (germline): Uncertain significance (1 of 4 stars; one submission).

Submission:

Labcorp Genetics (formerly Invitae), Labcorp
Classification: Uncertain significance. Last evaluated: 2024-02-24. Review status: criteria provided, single submitter. Criteria: Invitae Variant Classification Sherloc (09022015). Collection method: clinical testing. Allele origin: germline.
Comment: This sequence change replaces aspartic acid, which is acidic and polar, with glutamic acid, which is acidic and polar, at codon 1049 of the ERCC6 protein (p.Asp1049Glu). This variant is not present in population databases (gnomAD no frequency). This variant has not been reported in the literature in individuals affected with ERCC6-related conditions. ClinVar contains an entry for this variant (Variation ID: 1447042). Advanced modeling of protein sequence and biophysical properties (such as structural, functional, and spatial information, amino acid conservation, physicochemical variation, residue mobility, and thermodynamic stability) performed at Invitae indicates that this missense variant is not expected to disrupt ERCC6 protein function with a negative predictive value of 95%. In summary, the available evidence is currently insufficient to determine the role of this variant in disease. Therefore, it has been classified as a Variant of Uncertain Significance.

NM_000124.4(ERCC6):c.3147T>A (p.Asp1049Glu)

Gene: ERCC6 (ERCC excision repair 6, chromatin remodeling factor; minus strand). Cytogenetic location: 10q11.23.
Variant type: single nucleotide variant.
Coding change: c.3147T>A on transcript NM_000124.4 (MANE Select); coding-DNA position 3147, T replaced by A.
Protein change: p.Asp1049Glu; replaces aspartic acid 1049 with glutamic acid.
Molecular consequence: missense variant.
Genome position (GRCh38, 1-based): chr10:49,470,813, A>T on the plus strand (T>A on the coding strand, the complement: ERCC6 is on the minus strand). VCF-style: chr10-49470813-A-T. GRCh37 (hg19) VCF-style: chr10-50678859-A-T.
Other names: c.3147T>A, p.Asp1049Glu (NM_001346440.2); short protein forms D1049E.
Identifiers: ClinVar variation 1447042 (VCV001447042.8), dbSNP rs1008107416, ClinGen allele CA206584913.
Genomic context (GRCh38, chr10:49,470,813, plus strand): 5'-AGATGATGTGGCATCATTTACAGATATGTTAGAAGCAGGGAACTTCTTGCGTTTTGGAAC[A>T]TCATGGTCTGCTCCAAAGGCTGGTTGAATCCTTCTTTTTAGATGGCATTTGGGTGTCTGA-3'
Protein context (NP_000115.1, residues 1039-1059): RIQPAFGADH[Asp1049Glu]VPKRKKFPAS